The following is an entry in ClinVar:

NM_206926.2(SELENON):c.1500+4G>A

Gene: SELENON (selenoprotein N; plus strand). Cytogenetic location: 1p36.11.
Variant type: single nucleotide variant.
Coding change: c.1500+4G>A on transcript NM_206926.2 (MANE Select); 4 bases into the intron after coding-DNA position 1500, G replaced by A.
Molecular consequence: intron variant.
Genome position (GRCh38, 1-based): chr1:25,814,182, G>A. VCF-style: chr1-25814182-G-A. GRCh37 (hg19) VCF-style: chr1-26140673-G-A.
Other names: c.1602+4G>A (NM_020451.3).
Identifiers: ClinVar variation 1035520 (VCV001035520.4), dbSNP rs2047990840, ClinGen allele CA1159808499.

ClinVar aggregate classification (germline): Uncertain significance (1 of 4 stars; one submission).

Conditions:
Eichsfeld type congenital muscular dystrophy (CMYO3). Also called: Rigid spine muscular dystrophy 1; MYOPATHY, SEPN1-RELATED; SELENON-related myopathy; Congenital myopathy 3 with rigid spine. Identifiers: MedGen C0410180, MONDO:0100100, OMIM 602771.

Submission:

Labcorp Genetics (formerly Invitae), Labcorp
Classification: Uncertain significance for Eichsfeld type congenital muscular dystrophy. Last evaluated: 2020-08-20. Review status: criteria provided, single submitter. Criteria: Invitae Variant Classification Sherloc (09022015). Collection method: clinical testing. Allele origin: germline.
Comment: This sequence change falls in intron 12 of the SELENON gene. It does not directly change the encoded amino acid sequence of the SELENON protein, but it affects a nucleotide within the consensus splice site of the intron. This variant is not present in population databases (ExAC no frequency). This variant has not been reported in the literature in individuals with SELENON-related conditions. Nucleotide substitutions within the consensus splice site are a relatively common cause of aberrant splicing (PMID: 17576681, 9536098). Algorithms developed to predict the effect of sequence changes on RNA splicing suggest that this variant may create or strengthen a splice site, but this prediction has not been confirmed by published transcriptional studies. In summary, the available evidence is currently insufficient to determine the role of this variant in disease. Therefore, it has been classified as a Variant of Uncertain Significance.

Literature cited by the submitters: PubMed 17576681; PubMed 9536098.